The following is an entry in ClinVar:

NM_014806.5(RUSC2):c.3652G>A (p.Gly1218Arg)

Gene: RUSC2 (RUN and SH3 domain containing 2; plus strand). Cytogenetic location: 9p13.3.
Variant type: single nucleotide variant.
Coding change: c.3652G>A on transcript NM_014806.5 (MANE Select); coding-DNA position 3652, G replaced by A.
Protein change: p.Gly1218Arg; replaces glycine 1218 with arginine.
Molecular consequence: missense variant. On other transcripts: non-coding transcript variant (1).
Genome position (GRCh38, 1-based): chr9:35,560,292, G>A. VCF-style: chr9-35560292-G-A. GRCh37 (hg19) VCF-style: chr9-35560289-G-A.
Other names: c.3652G>A, p.Gly1218Arg (NM_001135999.2); c.1018G>A, p.Gly340Arg (NM_001330740.2); short protein forms G340R, G1218R.
Identifiers: ClinVar variation 1946928 (VCV001946928.2), dbSNP rs375760777, ClinGen allele CA5044211.
Genomic context (GRCh38, chr9:35,560,292, plus strand): 5'-CTGCTGCTGTCTGCCCACTCCACGCTGCAGCTGGCCCGGGCCCGGGGCCAGGAGGGCCCT[G>A]GAGACGTGGACAGGGCAGCCCAAGGGGAGCGGGTGAAGGGTGTGGGTGCCTCAGAAGGTG-3'
Protein context (NP_055621.2, residues 1208-1228): LARARGQEGP[Gly1218Arg]DVDRAAQGER

ClinVar aggregate classification (germline): Uncertain significance (1 of 4 stars; one submission).

Allele frequency attached by ClinVar (database versions not stated): gnomAD exomes below 0.00001; gnomAD 0.00001; TOPMed 0.00001; ExAC 0.00002; ESP Exome Variant Server 0.00008.
gnomAD v4.1: 5 of 1,595,534 alleles (0.00031%); highest among the groups gnomAD compares: African/African-American, 0.0054%; no homozygotes.

Submission:

Labcorp Genetics (formerly Invitae), Labcorp
Classification: Uncertain significance. Last evaluated: 2022-01-16. Review status: criteria provided, single submitter. Criteria: Invitae Variant Classification Sherloc (09022015). Collection method: clinical testing. Allele origin: germline.
Comment: This sequence change replaces glycine, which is neutral and non-polar, with arginine, which is basic and polar, at codon 1218 of the RUSC2 protein (p.Gly1218Arg). This variant is present in population databases (rs375760777, gnomAD 0.01%). This variant has not been reported in the literature in individuals affected with RUSC2-related conditions. Algorithms developed to predict the effect of missense changes on protein structure and function output the following: SIFT: "Deleterious"; PolyPhen-2: "Benign"; Align-GVGD: "Class C0". The arginine amino acid residue is found in multiple mammalian species, which suggests that this missense change does not adversely affect protein function. In summary, the available evidence is currently insufficient to determine the role of this variant in disease. Therefore, it has been classified as a Variant of Uncertain Significance.